The following is an entry in ClinVar:

NM_001267550.2(TTN):c.103828C>T (p.Arg34610Cys)

Genes: TTN (titin; minus strand), TTN-AS1 (TTN antisense RNA 1; plus strand). Cytogenetic location: 2q31.2.
Variant type: single nucleotide variant.
Coding change: c.103828C>T on transcript NM_001267550.2 (MANE Select); coding-DNA position 103828, C replaced by T.
Protein change: p.Arg34610Cys; replaces arginine 34610 with cysteine.
Molecular consequence: missense variant.
Genome position (GRCh38, 1-based): chr2:178,532,787, G>A on the plus strand (C>T on the coding strand, the complement: TTN is on the minus strand). VCF-style: chr2-178532787-G-A. GRCh37 (hg19) VCF-style: chr2-179397514-G-A.
Other names: c.98905C>T, p.Arg32969Cys (NM_001256850.1); c.76633C>T, p.Arg25545Cys (NM_003319.4); c.96124C>T, p.Arg32042Cys (NM_133378.4); c.77008C>T, p.Arg25670Cys (NM_133432.3); c.77209C>T, p.Arg25737Cys (NM_133437.4); short protein forms R34610C, R25670C, R25737C, R32969C, R25545C, R32042C.
Identifiers: ClinVar variation 404971 (VCV000404971.32), dbSNP rs376443365, ClinGen allele CA1985539.

ClinVar aggregate classification (germline): Conflicting classifications of pathogenicity. Review status: criteria provided, conflicting classifications (1 of 4 stars). 6 submissions from 6 submitters: Uncertain significance (4); Likely benign (2). Last evaluated 2026-03-27.

Conditions:
Autosomal recessive limb-girdle muscular dystrophy type 2J (LGMDR10). Also called: Limb-girdle muscular dystrophy, type 2J; MUSCULAR DYSTROPHY, LIMB-GIRDLE, AUTOSOMAL RECESSIVE 10. Identifiers: Orphanet 140922, MedGen C1837342, MONDO:0012127, OMIM 608807.
Dilated cardiomyopathy 1G (CMD1G). Identifiers: Orphanet 154, MedGen C1858763, MONDO:0011400, OMIM 604145.
TTN-related disorder. Also called: TTN-related condition; TTN-related disease; TTN-related disorders.

Allele frequency attached by ClinVar (database versions not stated): ExAC 0.00003; gnomAD exomes 0.00005 and 0.00009; gnomAD 0.00007 and 0.00008; TOPMed 0.00008; ESP Exome Variant Server 0.00016.
gnomAD v4.1: 144 of 1,613,834 alleles (0.0089%); highest among the groups gnomAD compares: Non-Finnish European, 0.011%; no homozygotes.

Submissions (6):

Molecular Diagnostic Laboratory for Inherited Cardiovascular Disease, Montreal Heart Institute
Classification: Likely benign. Last evaluated: 2026-03-27. Review status: criteria provided, single submitter. Criteria: ACMG Guidelines, 2015. Collection method: clinical testing. Allele origin: germline. Affected: no.

PreventionGenetics, part of Exact Sciences
Classification: Uncertain significance for TTN-related condition. Last evaluated: 2025-04-30. Review status: criteria provided, single submitter. Criteria: ACMG Guidelines, 2015. Collection method: clinical testing. Allele origin: germline.
Comment: The TTN c.103828C>T variant is predicted to result in the amino acid substitution p.Arg34610Cys. To our knowledge, this variant has not been reported in the literature. This variant is reported in 0.016% of alleles in individuals of European (Finnish) descent in gnomAD. At this time, the clinical significance of this variant is uncertain due to the absence of conclusive functional and genetic evidence.

Women's Health and Genetics/Laboratory Corporation of America, LabCorp
Classification: Uncertain significance. Last evaluated: 2024-07-09. Review status: criteria provided, single submitter. Criteria: LabCorp Variant Classification Summary - May 2015. Collection method: clinical testing. Allele origin: germline.
Comment: Variant summary: TTN c.96124C>T (p.Arg32042Cys) results in a non-conservative amino acid change located in the M-band region of the encoded protein sequence. Three of four in-silico tools predict a damaging effect of the variant on protein function. The variant allele was found at a frequency of 5.2e-05 in 248908 control chromosomes. This frequency is not significantly higher than estimated for a pathogenic variant in TTN causing Dilated Cardiomyopathy (5.2e-05 vs 0.00039), allowing no conclusion about variant significance. To our knowledge, no occurrence of c.96124C>T in individuals affected with Dilated Cardiomyopathy and no experimental evidence demonstrating its impact on protein function have been reported. ClinVar contains an entry for this variant (Variation ID: 404971). Based on the evidence outlined above, the variant was classified as uncertain significance.

CeGaT Center for Human Genetics Tuebingen
Classification: Uncertain significance. Last evaluated: 2023-10-01. Review status: criteria provided, single submitter. Criteria: CeGaT Center For Human Genetics Tuebingen Variant Classification Criteria Version 2. Collection method: clinical testing. Allele origin: germline. Affected: yes. Observed: 1 variant allele.

GeneDx
Classification: Likely benign. Last evaluated: 2021-04-01. Review status: criteria provided, single submitter. Criteria: GeneDx Variant Classification Process June 2021. Collection method: clinical testing. Allele origin: germline. Affected: yes.

Labcorp Genetics (formerly Invitae), Labcorp
Classification: Uncertain significance for Dilated cardiomyopathy 1G; Autosomal recessive limb-girdle muscular dystrophy type 2J. Last evaluated: 2017-09-06. Review status: criteria provided, single submitter. Criteria: Invitae Variant Classification Sherloc (09022015). Collection method: clinical testing. Allele origin: germline.